The following is an entry in ClinVar:

ClinVar aggregate classification (germline): Uncertain significance (1 of 4 stars; one submission).

Conditions:
Progressive sclerosing poliodystrophy (MTDPS4A). Also called: NEURONAL DEGENERATION OF CHILDHOOD WITH LIVER DISEASE, PROGRESSIVE; ALPERS PROGRESSIVE INFANTILE POLIODYSTROPHY; Mitochondrial DNA Depletion Syndrome 4A; Alpers-Huttenlocher Syndrome (AHS); Alpers Syndrome; ALPERS DIFFUSE DEGENERATION OF CEREBRAL GRAY MATTER WITH HEPATIC CIRRHOSIS. Identifiers: Orphanet 726, MedGen C0205710, MONDO:0008758, OMIM 203700.

Allele frequency attached by ClinVar (database versions not stated): TOPMed below 0.00001; gnomAD exomes 0.00001; ExAC 0.00002.
gnomAD v4.1: 14 of 1,600,940 alleles (0.00087%); highest among the groups gnomAD compares: African/African-American, 0.011%; no homozygotes.

Submission:

Labcorp Genetics (formerly Invitae), Labcorp
Classification: Uncertain significance for Progressive sclerosing poliodystrophy. Last evaluated: 2024-01-22. Review status: criteria provided, single submitter. Criteria: Invitae Variant Classification Sherloc (09022015). Collection method: clinical testing. Allele origin: germline.
Comment: This sequence change replaces valine, which is neutral and non-polar, with methionine, which is neutral and non-polar, at codon 118 of the POLG protein (p.Val118Met). The frequency data for this variant in the population databases is considered unreliable, as metrics indicate poor data quality at this position in the gnomAD database. This variant has not been reported in the literature in individuals affected with POLG-related conditions. ClinVar contains an entry for this variant (Variation ID: 945985). Advanced modeling of protein sequence and biophysical properties (such as structural, functional, and spatial information, amino acid conservation, physicochemical variation, residue mobility, and thermodynamic stability) performed at Invitae indicates that this missense variant is not expected to disrupt POLG protein function with a negative predictive value of 95%. In summary, the available evidence is currently insufficient to determine the role of this variant in disease. Therefore, it has been classified as a Variant of Uncertain Significance.

NM_002693.3(POLG):c.352G>A (p.Val118Met)

Genes: POLG (DNA polymerase gamma, catalytic subunit; minus strand), POLGARF (POLG alternative reading frame; minus strand). Cytogenetic location: 15q26.1.
Variant type: single nucleotide variant.
Coding change: c.352G>A on transcript NM_002693.3 (MANE Select); coding-DNA position 352, G replaced by A.
Protein change: p.Val118Met; replaces valine 118 with methionine.
Molecular consequence: missense variant.
Genome position (GRCh38, 1-based): chr15:89,333,403, C>T on the plus strand (G>A on the coding strand, the complement: POLG is on the minus strand). VCF-style: chr15-89333403-C-T. GRCh37 (hg19) VCF-style: chr15-89876634-C-T.
Other names: c.352G>A, p.Val118Met (NM_001126131.2); short protein forms V118M.
Identifiers: ClinVar variation 945985 (VCV000945985.6), dbSNP rs778608349, ClinGen allele CA7725127.